The following is an entry in ClinVar:

ClinVar aggregate classification (germline): Uncertain significance. Review status: criteria provided, multiple submitters, no conflicts (2 of 4 stars). 2 submissions from 2 submitters: Uncertain significance (2). Last evaluated 2024-07-01.

Conditions:
Developmental and epileptic encephalopathy, 23 (DEE23). Also called: Epileptic encephalopathy, early infantile, 23. Identifiers: Orphanet 411986, MedGen C4014492, MONDO:0014371, OMIM 615859.

Allele frequency attached by ClinVar (database versions not stated): ExAC 0.00001; gnomAD exomes 0.00001; TOPMed 0.00002.
gnomAD v4.1: 18 of 1,614,156 alleles (0.0011%); highest among the groups gnomAD compares: Admixed American, 0.0033%; no homozygotes.

Submissions (2):

CeGaT Center for Human Genetics Tuebingen
Classification: Uncertain significance. Last evaluated: 2024-07-01. Review status: criteria provided, single submitter. Criteria: CeGaT Center For Human Genetics Tuebingen Variant Classification Criteria Version 2. Collection method: clinical testing. Allele origin: germline. Affected: yes. Observed: 1 variant allele.
Comment: DOCK7: PM2, BP1

Labcorp Genetics (formerly Invitae), Labcorp
Classification: Uncertain significance for Developmental and epileptic encephalopathy, 23. Last evaluated: 2022-08-31. Review status: criteria provided, single submitter. Criteria: Invitae Variant Classification Sherloc (09022015). Collection method: clinical testing. Allele origin: germline.
Comment: This sequence change replaces arginine, which is basic and polar, with cysteine, which is neutral and slightly polar, at codon 2089 of the DOCK7 protein (p.Arg2089Cys). This variant is present in population databases (rs763902201, gnomAD 0.006%). This variant has not been reported in the literature in individuals affected with DOCK7-related conditions. ClinVar contains an entry for this variant (Variation ID: 1017104). Algorithms developed to predict the effect of missense changes on protein structure and function are either unavailable or do not agree on the potential impact of this missense change (SIFT: "Deleterious"; PolyPhen-2: "Probably Damaging"; Align-GVGD: "Class C15"). In summary, the available evidence is currently insufficient to determine the role of this variant in disease. Therefore, it has been classified as a Variant of Uncertain Significance.

NM_001367561.1(DOCK7):c.6298C>T (p.Arg2100Cys)

Gene: DOCK7 (dedicator of cytokinesis 7; minus strand). Cytogenetic location: 1p31.3.
Variant type: single nucleotide variant.
Coding change: c.6298C>T on transcript NM_001367561.1 (MANE Select); coding-DNA position 6298, C replaced by T.
Protein change: p.Arg2100Cys; replaces arginine 2100 with cysteine.
Molecular consequence: missense variant.
Genome position (GRCh38, 1-based): chr1:62,457,620, G>A on the plus strand (C>T on the coding strand, the complement: DOCK7 is on the minus strand). VCF-style: chr1-62457620-G-A. GRCh37 (hg19) VCF-style: chr1-62923291-G-A.
Other names: c.6265C>T, p.Arg2089Cys (NM_001271999.2); c.6178C>T, p.Arg2060Cys (NM_001272000.2); c.6172C>T, p.Arg2058Cys (NM_001272001.2); c.6271C>T, p.Arg2091Cys (NM_001330614.2); c.6205C>T, p.Arg2069Cys (NM_033407.4); short protein forms R2058C, R2060C, R2069C, R2089C, R2091C, R2100C.
Identifiers: ClinVar variation 1017104 (VCV001017104.23), dbSNP rs763902201, ClinGen allele CA885244.